The following is an entry in ClinVar:

ClinVar aggregate classification (germline): Pathogenic (1 of 4 stars; one submission).

Conditions:
Tuberous sclerosis 2 (TSC2). Identifiers: Orphanet 805, MedGen C1860707, MONDO:0013199, OMIM 613254.

Submission:

Labcorp Genetics (formerly Invitae), Labcorp
Classification: Pathogenic for Tuberous sclerosis 2. Last evaluated: 2023-08-02. Review status: criteria provided, single submitter. Criteria: Invitae Variant Classification Sherloc (09022015). Collection method: clinical testing. Allele origin: germline.
Comment: For these reasons, this variant has been classified as Pathogenic. This variant has not been reported in the literature in individuals affected with TSC2-related conditions. This variant is not present in population databases (gnomAD no frequency). This sequence change creates a premature translational stop signal (p.Val1320Glyfs*3) in the TSC2 gene. It is expected to result in an absent or disrupted protein product. Loss-of-function variants in TSC2 are known to be pathogenic (PMID: 10205261, 17304050).

Literature cited by the submitters: PubMed 10205261; PubMed 17304050.

NM_000548.5(TSC2):c.3955_3958dup (p.Val1320fs)

Gene: TSC2 (TSC complex subunit 2; plus strand). Cytogenetic location: 16p13.3.
Variant type: Duplication.
Coding change: c.3955_3958dup on transcript NM_000548.5 (MANE Select); coding-DNA positions 3955 to 3958, 4 bases duplicated (GACG; older notation c.3955_3958dupGACG).
Protein change: p.Val1320fs; shifts the reading frame from valine 1320.
Molecular consequence: frameshift variant. On other transcripts: non-coding transcript variant (5).
Genome position (GRCh38, 1-based): chr16:2,083,766-2,083,769, GACG duplicated; duplicating any 4 consecutive bases within chr16:2,083,765-2,083,769 gives the same sequence; the c. name uses the placement nearest the transcript's 3' end. VCF-style (leftmost placement, unchanged base first): chr16-2083764-A-AGGAC. GRCh37 (hg19) VCF-style: chr16-2133765-A-AGGAC.
Other names: c.3154_3157dup, p.Val1053fs (NM_001406687.1, NM_001406688.1); c.2542_2545dup, p.Val849fs (NM_001406689.1); c.2482_2485dup, p.Val829fs (NM_001406690.1); c.2479_2482dup, p.Val828fs (NM_001406691.1); c.2413_2416dup, p.Val806fs (NM_001406692.1, NM_001406693.1, NM_001406694.1); c.2410_2413dup, p.Val805fs (NM_001406695.1, NM_001406696.1, NM_001406697.1); c.2152_2155dup, p.Val719fs (NM_001406698.1); c.3826_3829dup, p.Val1277fs (NM_021055.3, NM_001370405.1); and 26 more; short protein forms V1096fs, V1205fs, V1216fs, V1234fs, V1248fs, V1253fs, V1284fs, V828fs.
Identifiers: ClinVar variation 2746318 (VCV002746318.3), dbSNP rs2544234809, ClinGen allele CA2697549571.